The following is an entry in ClinVar:

ClinVar aggregate classification (germline): Uncertain significance. Review status: criteria provided, multiple submitters, no conflicts (2 of 4 stars). 2 submissions from 2 submitters: Uncertain significance (2). Last evaluated 2024-04-08.

Conditions:
Cardiovascular phenotype. Identifiers: MedGen CN230736.
Hypertrophic cardiomyopathy. Also called: HYPERTROPHIC MYOCARDIOPATHY. Identifiers: Orphanet 217569, MedGen C0007194, MeSH D002312, MONDO:0005045, HP:0001639.

Allele frequency attached by ClinVar (database versions not stated): gnomAD 0.00001; gnomAD exomes below 0.00001; ExAC 0.00001.
gnomAD v4.1: 4 of 1,612,438 alleles (0.00025%); highest among the groups gnomAD compares: Non-Finnish European, 0.00034%; no homozygotes.

Submissions (2):

Labcorp Genetics (formerly Invitae), Labcorp
Classification: Uncertain significance for Hypertrophic cardiomyopathy. Last evaluated: 2024-04-08. Review status: criteria provided, single submitter. Criteria: Invitae Variant Classification Sherloc (09022015). Collection method: clinical testing. Allele origin: germline.
Comment: This sequence change replaces alanine, which is neutral and non-polar, with valine, which is neutral and non-polar, at codon 189 of the MYOZ2 protein (p.Ala189Val). The frequency data for this variant in the population databases is considered unreliable, as metrics indicate poor data quality at this position in the gnomAD database. This variant has not been reported in the literature in individuals affected with MYOZ2-related conditions. ClinVar contains an entry for this variant (Variation ID: 1477201). Advanced modeling of protein sequence and biophysical properties (such as structural, functional, and spatial information, amino acid conservation, physicochemical variation, residue mobility, and thermodynamic stability) performed at Invitae indicates that this missense variant is expected to disrupt MYOZ2 protein function with a positive predictive value of 80%. In summary, the available evidence is currently insufficient to determine the role of this variant in disease. Therefore, it has been classified as a Variant of Uncertain Significance.

Ambry Genetics
Classification: Uncertain significance for Cardiovascular phenotype. Last evaluated: 2024-03-11. Review status: criteria provided, single submitter. Criteria: Ambry Variant Classification Scheme 2023. Collection method: clinical testing. Allele origin: germline.
Comment: The p.A189V variant (also known as c.566C>T), located in coding exon 5 of the MYOZ2 gene, results from a C to T substitution at nucleotide position 566. The alanine at codon 189 is replaced by valine, an amino acid with similar properties. This amino acid position is conserved. In addition, this alteration is predicted to be deleterious by in silico analysis. Based on the available evidence, the clinical significance of this alteration remains unclear.

NM_016599.5(MYOZ2):c.566C>T (p.Ala189Val)

Gene: MYOZ2 (myozenin 2; plus strand). Cytogenetic location: 4q26.
Variant type: single nucleotide variant.
Coding change: c.566C>T on transcript NM_016599.5 (MANE Select); coding-DNA position 566, C replaced by T.
Protein change: p.Ala189Val; replaces alanine 189 with valine.
Molecular consequence: missense variant.
Genome position (GRCh38, 1-based): chr4:119,185,971, C>T. VCF-style: chr4-119185971-C-T. GRCh37 (hg19) VCF-style: chr4-120107126-C-T.
Other names: c.566C>T (NM_016599.4); short protein forms A189V.
Identifiers: ClinVar variation 1477201 (VCV001477201.9), dbSNP rs775850657, ClinGen allele CA3058683.